The following is an entry in ClinVar:

ClinVar aggregate classification (germline): Uncertain significance (1 of 4 stars; one submission).

Conditions:
Sifrim-Hitz-Weiss syndrome (SIHIWES). Also called: CHD4 Neurodevelopmental Disorder; SIFRIM-HITZ-WEISS MULTIPLE CONGENITAL ANOMALIES-MENTAL RETARDATION SYNDROME. Identifiers: Orphanet 653712, MedGen C4310688, MONDO:0014946, OMIM 617159.

gnomAD v4.1: 13 of 1,614,046 alleles (0.00081%); highest among the groups gnomAD compares: South Asian, 0.0022%; no homozygotes.

Submission:

Juno Genomics, Hangzhou Juno Genomics, Inc
Classification: Uncertain significance for Sifrim-Hitz-Weiss syndrome. Review status: criteria provided, single submitter. Criteria: ACMG Guidelines, 2015. Collection method: clinical testing. Allele origin: germline.
Comment: Absent from controls (or at extremely low frequency if recessive) in Genome Aggregation Database.;Missense variant in a gene that has a low rate of benign missense variation.

NM_001273.5(CHD4):c.4702G>A (p.Glu1568Lys)

Genes: CHD4 (chromodomain helicase DNA binding protein 4; minus strand), CHD4-AS1 (CHD4 antisense RNA 1; plus strand). Cytogenetic location: 12p13.31.
Variant type: single nucleotide variant.
Coding change: c.4702G>A on transcript NM_001273.5 (MANE Select); coding-DNA position 4702, G replaced by A.
Protein change: p.Glu1568Lys; replaces glutamic acid 1568 with lysine.
Molecular consequence: missense variant.
Genome position (GRCh38, 1-based): chr12:6,581,368, C>T on the plus strand (G>A on the coding strand, the complement: CHD4 is on the minus strand). VCF-style: chr12-6581368-C-T. GRCh37 (hg19) VCF-style: chr12-6690534-C-T.
Other names: c.4681G>A, p.Glu1561Lys (NM_001297553.2); c.4663G>A, p.Glu1555Lys (NM_001363606.2); short protein forms E1555K, E1561K, E1568K.
Identifiers: ClinVar variation 5019833 (VCV005019833.2).